The following is an entry in ClinVar:

ClinVar aggregate classification (germline): Uncertain significance (1 of 4 stars; one submission).

Submission:

Labcorp Genetics (formerly Invitae), Labcorp
Classification: Uncertain significance. Last evaluated: 2023-12-10. Review status: criteria provided, single submitter. Criteria: Invitae Variant Classification Sherloc (09022015). Collection method: clinical testing. Allele origin: germline.
Comment: This sequence change replaces arginine, which is basic and polar, with glycine, which is neutral and non-polar, at codon 81 of the ICOSLG protein (p.Arg81Gly). This variant is not present in population databases (gnomAD no frequency). This variant has not been reported in the literature in individuals affected with ICOSLG-related conditions. An algorithm developed to predict the effect of missense changes on protein structure and function (PolyPhen-2) suggests that this variant is likely to be disruptive. In summary, the available evidence is currently insufficient to determine the role of this variant in disease. Therefore, it has been classified as a Variant of Uncertain Significance.

NM_015259.6(ICOSLG):c.241C>G (p.Arg81Gly)

Gene: ICOSLG (inducible T cell costimulator ligand; minus strand). Cytogenetic location: 21q22.3.
Variant type: single nucleotide variant.
Coding change: c.241C>G on transcript NM_015259.6 (MANE Select); coding-DNA position 241, C replaced by G.
Protein change: p.Arg81Gly; replaces arginine 81 with glycine.
Molecular consequence: missense variant. On other transcripts: 5 prime UTR variant (1), intron variant (1).
Genome position (GRCh38, 1-based): chr21:44,237,032, G>C on the plus strand (C>G on the coding strand, the complement: ICOSLG is on the minus strand). VCF-style: chr21-44237032-G-C. GRCh37 (hg19) VCF-style: chr21-45656915-G-C.
Other names: c.241C>G, p.Arg81Gly (NM_001283050.2, NM_001395918.1); c.-15C>G (NM_001283052.2); c.160C>G, p.Arg54Gly (NM_001365759.2); c.55+1416C>G (NM_001283051.2); short protein forms R54G, R81G.
Identifiers: ClinVar variation 2699751 (VCV002699751.3), dbSNP rs558943057, ClinGen allele CA410616275.